The following is an entry in ClinVar:

ClinVar aggregate classification (germline): Uncertain significance (1 of 4 stars; one submission).

Conditions:
Hereditary cancer-predisposing syndrome. Also called: Tumor predisposition; Hereditary neoplastic syndrome; Hereditary Cancer Syndrome; Neoplastic Syndromes, Hereditary. Identifiers: Orphanet 140162, MedGen C0027672, MeSH D009386, MONDO:0015356.

Submission:

Ambry Genetics
Classification: Uncertain significance for Hereditary cancer-predisposing syndrome. Last evaluated: 2026-05-15. Review status: criteria provided, single submitter. Criteria: Ambry Variant Classification Scheme 2023. Collection method: clinical testing. Allele origin: germline.
Comment: The c.5918+605_5918+606delAG intronic variant, located in intron 38 of the ATM gene, results from a deletion of two nucleotides within intron 38 of the ATM gene. This nucleotide position is well conserved in available vertebrate species. In silico splice site analysis predicts that this alteration will result in the creation or strengthening of a novel splice donor site. RNA studies have demonstrated that this variant results in abnormal splicing in the set of samples tested (Ambry internal data). Based on the available evidence, the clinical significance of this variant remains unclear.

NM_000051.4(ATM):c.5918+605_5918+606del

Genes: ATM (ATM serine/threonine kinase; plus strand), C11orf65 (chromosome 11 open reading frame 65; minus strand). Cytogenetic location: 11q22.3.
Variant type: Microsatellite.
Coding change: c.5918+605_5918+606del on transcript NM_000051.4 (MANE Select); bases 605 to 606 of the intron after coding-DNA position 5918, 2 bases deleted (AG; older notation c.5918+605_5918+606delAG).
Molecular consequence: intron variant.
Genome position (GRCh38, 1-based): chr11:108,310,920-108,310,921, AG deleted; deleting any 2 consecutive bases within chr11:108,310,918-108,310,921 gives the same sequence; the c. name uses the placement nearest the transcript's 3' end. VCF-style (leftmost placement, unchanged base first): chr11-108310917-AAG-A. GRCh37 (hg19) VCF-style: chr11-108181644-AAG-A.
Other names: c.5918+605_5918+606del (NM_001351834.2); c.641-1848_641-1847del (NM_001330368.2); c.*39-1848_*39-1847del (NM_001351110.2).
Identifiers: ClinVar variation 4866868 (VCV004866868.1).